The following is an entry in ClinVar:

ClinVar aggregate classification (germline): Likely benign (0 of 4 stars; one submission).

Conditions:
RFX3-related disorder. Also called: RFX3-related condition.

Allele frequency attached by ClinVar (database versions not stated): gnomAD exomes 0.00009; ExAC 0.00030; gnomAD 0.00090; ESP Exome Variant Server 0.00100; TOPMed 0.00101; 1000 Genomes Project 30x 0.00125; 1000 Genomes Project 0.00140.
gnomAD v4.1: 270 of 1,536,334 alleles (0.018%); highest among the groups gnomAD compares: African/African-American, 0.33%; no homozygotes.

Submission:

PreventionGenetics, part of Exact Sciences
Classification: Likely benign for RFX3-related condition. Last evaluated: 2019-10-14. Review status: no assertion criteria provided. Collection method: clinical testing. Allele origin: germline.
Comment: This variant is classified as likely benign based on ACMG/AMP sequence variant interpretation guidelines (Richards et al. 2015 PMID: 25741868, with internal and published modifications).

NM_001282116.2(RFX3):c.1455+9T>C

Gene: RFX3 (regulatory factor X3; minus strand). Cytogenetic location: 9p24.2.
Variant type: single nucleotide variant.
Coding change: c.1455+9T>C on transcript NM_001282116.2 (MANE Select); 9 bases into the intron after coding-DNA position 1455, T replaced by C.
Molecular consequence: intron variant.
Genome position (GRCh38, 1-based): chr9:3,266,199, A>G on the plus strand (T>C on the coding strand, the complement: RFX3 is on the minus strand). VCF-style: chr9-3266199-A-G. GRCh37 (hg19) VCF-style: chr9-3266199-A-G.
Other names: c.1455+9T>C (NM_001377999.1, NM_134428.3, NM_002919.4).
Identifiers: ClinVar variation 3046229 (VCV003046229.2), dbSNP rs148126410, ClinGen allele CA4967128.